The following is an entry in ClinVar:

ClinVar aggregate classification (germline): Uncertain significance (0 of 4 stars; one submission).

Conditions:
ANKRD11-related disorder. Also called: ANKRD11-related condition.

Submission:

PreventionGenetics, part of Exact Sciences
Classification: Uncertain significance for ANKRD11-related condition. Last evaluated: 2024-05-10. Review status: no assertion criteria provided. Collection method: clinical testing. Allele origin: germline.
Comment: The ANKRD11 c.7579A>T variant is predicted to result in the amino acid substitution p.Ile2527Phe. To our knowledge, this variant has not been reported in the literature or in a large population database, indicating this variant is rare. At this time, the clinical significance of this variant is uncertain due to the absence of conclusive functional and genetic evidence.

NM_013275.6(ANKRD11):c.7579A>T (p.Ile2527Phe)

Gene: ANKRD11 (ankyrin repeat domain containing 11; minus strand). Cytogenetic location: 16q24.3.
Variant type: single nucleotide variant.
Coding change: c.7579A>T on transcript NM_013275.6 (MANE Select); coding-DNA position 7579, A replaced by T.
Protein change: p.Ile2527Phe; replaces isoleucine 2527 with phenylalanine.
Molecular consequence: missense variant.
Genome position (GRCh38, 1-based): chr16:89,274,948, T>A on the plus strand (A>T on the coding strand, the complement: ANKRD11 is on the minus strand). VCF-style: chr16-89274948-T-A. GRCh37 (hg19) VCF-style: chr16-89341356-T-A.
Other names: c.7579A>T, p.Ile2527Phe (NM_001256182.2, NM_001256183.2); short protein forms I2527F.
Identifiers: ClinVar variation 3355337 (VCV003355337.1).